The following is an entry in ClinVar:

ClinVar aggregate classification (germline): Pathogenic (1 of 4 stars; one submission).

Conditions:
Amelocerebrohypohidrotic syndrome (KTZS). Also called: EPILEPSY AND YELLOW TEETH; EPILEPSY, DEMENTIA, AND AMELOGENESIS IMPERFECTA; KOHLSCHUTTER SYNDROME; Kohlschutter's syndrome. Identifiers: Orphanet 1946, MedGen C0406740, MONDO:0009185, OMIM 226750.

Allele frequency attached by ClinVar (database versions not stated): gnomAD exomes below 0.00001.
gnomAD v4.1: 1 of 1,608,930 alleles (0.000062%); highest among the groups gnomAD compares: East Asian, 0.0022%; no homozygotes.

Submission:

Labcorp Genetics (formerly Invitae), Labcorp
Classification: Pathogenic for Amelocerebrohypohidrotic syndrome. Last evaluated: 2024-10-22. Review status: criteria provided, single submitter. Criteria: Invitae Variant Classification Sherloc (09022015). Collection method: clinical testing. Allele origin: germline.
Comment: This sequence change creates a premature translational stop signal (p.Gln78*) in the ROGDI gene. It is expected to result in an absent or disrupted protein product. Loss-of-function variants in ROGDI are known to be pathogenic (PMID: 22424600, 23086778). This variant is not present in population databases (gnomAD no frequency). This variant has not been reported in the literature in individuals affected with ROGDI-related conditions. ClinVar contains an entry for this variant (Variation ID: 1997122). Algorithms developed to predict the effect of sequence changes on RNA splicing suggest that this variant may disrupt the consensus splice site. For these reasons, this variant has been classified as Pathogenic.

Literature cited by the submitters: PubMed 22424600; PubMed 23086778.

NM_024589.3(ROGDI):c.232C>T (p.Gln78Ter)

Gene: ROGDI (rogdi atypical leucine zipper; minus strand). Cytogenetic location: 16p13.3.
Variant type: single nucleotide variant.
Coding change: c.232C>T on transcript NM_024589.3 (MANE Select); coding-DNA position 232, C replaced by T.
Protein change: p.Gln78Ter; replaces glutamine 78 with a stop codon.
Molecular consequence: nonsense.
Genome position (GRCh38, 1-based): chr16:4,801,290, G>A on the plus strand (C>T on the coding strand, the complement: ROGDI is on the minus strand). VCF-style: chr16-4801290-G-A. GRCh37 (hg19) VCF-style: chr16-4851291-G-A.
Other names: short protein forms Q78*.
Identifiers: ClinVar variation 1997122 (VCV001997122.4), dbSNP rs2505727615, ClinGen allele CA394654913.
Genomic context (GRCh38, chr16:4,801,290, plus strand): 5'-TTGGCAGGATGGGAGGGGACAGGGCCGGGGGACTCACCGCCTGGCTGAGGGCATCCCCCT[G>A]CAGAGTCAGCACACCCTTCACCTGGTCTGTGCTGTAACATGTGGCGTCAGAGCGGTGCCT-3'